The following is an entry in ClinVar:

ClinVar aggregate classification (germline): Benign/Likely benign. Review status: criteria provided, multiple submitters, no conflicts (2 of 4 stars). 6 submissions from 2 submitters: Benign (4); Likely benign (2). Last evaluated 2021-05-16.

Conditions:
Sulfate transporter-related osteochondrodysplasia. Also called: DTDST-related dysplasias. Identifiers: MedGen CN120497. Disease mechanism: loss of function.
Achondrogenesis, type IB (ACG1B). Also called: Achondrogenesis Type 1B. Identifiers: Orphanet 932, Orphanet 93298, MedGen C0265274, MONDO:0010966, OMIM 600972.
Atelosteogenesis type II (AO2). Also called: NEONATAL OSSEOUS DYSPLASIA I; Neonatal osseous dysplasia 1; SLC26A2-Related Atelosteogenesis. Identifiers: Orphanet 56304, MedGen C1850554, MONDO:0009727, OMIM 256050.
Diastrophic dysplasia (DTD). Also called: Diastrophic dwarfism. Identifiers: Orphanet 628, MedGen C0220726, MONDO:0009107, OMIM 222600.
Multiple epiphyseal dysplasia type 4 (EDM4). Also called: MULTIPLE EPIPHYSEAL DYSPLASIA WITH BILAYERED PATELLAE; MULTIPLE EPIPHYSEAL DYSPLASIA WITH CLUBFOOT; MULTIPLE EPIPHYSEAL DYSPLASIA, AUTOSOMAL RECESSIVE; SLC26A2-Related Multiple Epiphyseal Dysplasia; Multiple Epiphyseal Dysplasia, Recessive. Identifiers: Orphanet 93307, MedGen C1847593, MONDO:0009189, OMIM 226900.

Allele frequency attached by ClinVar (database versions not stated): 1000 Genomes Project 0.01158; gnomAD 0.01211 and 0.01303; 1000 Genomes Project 30x 0.01218; TOPMed 0.01326.

Submissions (6):

GeneDx
Classification: Likely benign. Last evaluated: 2021-05-16. Review status: criteria provided, single submitter. Criteria: GeneDx Variant Classification Process June 2021. Collection method: clinical testing. Allele origin: germline. Affected: yes.

Illumina Laboratory Services, Illumina
Classification: Benign for Multiple epiphyseal dysplasia type 4. Last evaluated: 2018-01-12. Review status: criteria provided, single submitter. Criteria: ICSL Variant Classification Criteria 13 December 2019. Collection method: clinical testing. Allele origin: germline.
Comment: This variant was observed in the ICSL laboratory as part of a predisposition screen in an ostensibly healthy population. It had not been previously curated by ICSL or reported in the Human Gene Mutation Database (HGMD: prior to June 1st, 2018), and was therefore a candidate for classification through an automated scoring system. Utilizing variant allele frequency, disease prevalence and penetrance estimates, and inheritance mode, an automated score was calculated to assess if this variant is too frequent to cause the disease. Based on the score and internal cut-off values, a variant classified as benign is not then subjected to further curation. The score for this variant resulted in a classification of benign for this disease.

Illumina Laboratory Services, Illumina
Classification: Benign for Atelosteogenesis type II. Last evaluated: 2018-01-12. Review status: criteria provided, single submitter. Criteria: ICSL Variant Classification Criteria 13 December 2019. Collection method: clinical testing. Allele origin: germline.
Comment: the same text as in the submission from Illumina Laboratory Services, Illumina above.

Illumina Laboratory Services, Illumina
Classification: Benign for Diastrophic dysplasia. Last evaluated: 2018-01-12. Review status: criteria provided, single submitter. Criteria: ICSL Variant Classification Criteria 13 December 2019. Collection method: clinical testing. Allele origin: germline.
Comment: the same text as in the submission from Illumina Laboratory Services, Illumina above.

Illumina Laboratory Services, Illumina
Classification: Benign for Achondrogenesis, type IB. Last evaluated: 2018-01-12. Review status: criteria provided, single submitter. Criteria: ICSL Variant Classification Criteria 13 December 2019. Collection method: clinical testing. Allele origin: germline.
Comment: the same text as in the submission from Illumina Laboratory Services, Illumina above.

Illumina Laboratory Services, Illumina
Classification: Likely benign for Osteochondrodysplasia. Last evaluated: 2018-01-12. Review status: criteria provided, single submitter. Criteria: ICSL Variant Classification Criteria 13 December 2019. Collection method: clinical testing. Allele origin: germline.
Comment: This variant was observed in the ICSL laboratory as part of a predisposition screen in an ostensibly healthy population. It had not been previously curated by ICSL or reported in the Human Gene Mutation Database (HGMD: prior to June 1st, 2018), and was therefore a candidate for classification through an automated scoring system. Utilizing variant allele frequency, disease prevalence and penetrance estimates, and inheritance mode, an automated score was calculated to assess if this variant is too frequent to cause the disease. Based on the score and internal cut-off values, a variant classified as likely benign is not then subjected to further curation. The score for this variant resulted in a classification of likely benign for this disease.

NM_000112.4(SLC26A2):c.*2612C>T

Gene: SLC26A2 (solute carrier family 26 member 2; plus strand). Cytogenetic location: 5q32.
Variant type: single nucleotide variant.
Coding change: c.*2612C>T on transcript NM_000112.4 (MANE Select); 2612 bases downstream of the stop codon, C replaced by T.
Molecular consequence: 3 prime UTR variant.
Genome position (GRCh38, 1-based): chr5:149,984,425, C>T. VCF-style: chr5-149984425-C-T. GRCh37 (hg19) VCF-style: chr5-149363988-C-T.
Identifiers: ClinVar variation 352065 (VCV000352065.6), dbSNP rs28451300, ClinGen allele CA10623500.